The following is an entry in ClinVar:

ClinVar aggregate classification (germline): Likely benign (1 of 4 stars; one submission).

Allele frequency attached by ClinVar (database versions not stated): gnomAD exomes below 0.00001; ExAC 0.00001.
gnomAD v4.1: 4 of 1,481,748 alleles (0.00027%); highest among the groups gnomAD compares: Non-Finnish European, 0.00038%; no homozygotes.

Submission:

CeGaT Center for Human Genetics Tuebingen
Classification: Likely benign. Last evaluated: 2023-08-01. Review status: criteria provided, single submitter. Criteria: CeGaT Center For Human Genetics Tuebingen Variant Classification Criteria Version 2. Collection method: clinical testing. Allele origin: germline. Affected: yes. Observed: 1 variant allele.
Comment: CDK19: BP4

NM_015076.5(CDK19):c.315+8T>C

Gene: CDK19 (cyclin dependent kinase 19; minus strand). Cytogenetic location: 6q21.
Variant type: single nucleotide variant.
Coding change: c.315+8T>C on transcript NM_015076.5 (MANE Select); 8 bases into the intron after coding-DNA position 315, T replaced by C.
Molecular consequence: intron variant.
Genome position (GRCh38, 1-based): chr6:110,670,423, A>G on the plus strand (T>C on the coding strand, the complement: CDK19 is on the minus strand). VCF-style: chr6-110670423-A-G. GRCh37 (hg19) VCF-style: chr6-110991626-A-G.
Other names: c.135+8T>C (NM_001300964.2, NM_001300963.2); c.315+8T>C (NM_001300960.2).
Identifiers: ClinVar variation 2656848 (VCV002656848.24), dbSNP rs753328500, ClinGen allele CA3959108.
Genomic context (GRCh38, chr6:110,670,423, plus strand): 5'-GTATTTTATATAAATATGCTCCATACCTATATAAAACAATCCTAGAAATACAGTGAGATT[A>G]TACTTACCCACAAGTCATGCTCTGCATAATCAAACAGCAGCCATACCTTCCTGTCACTGT-3'